The following is an entry in ClinVar:

NM_001851.6(COL9A1):c.2724G>A (p.Met908Ile)

Gene: COL9A1 (collagen type IX alpha 1 chain; minus strand). Cytogenetic location: 6q13.
Variant type: single nucleotide variant.
Coding change: c.2724G>A on transcript NM_001851.6 (MANE Select); coding-DNA position 2724, G replaced by A.
Protein change: p.Met908Ile; replaces methionine 908 with isoleucine.
Molecular consequence: missense variant. On other transcripts: non-coding transcript variant (1).
Genome position (GRCh38, 1-based): chr6:70,216,939, C>T on the plus strand (G>A on the coding strand, the complement: COL9A1 is on the minus strand). VCF-style: chr6-70216939-C-T. GRCh37 (hg19) VCF-style: chr6-70926642-C-T.
Other names: c.2025G>A, p.Met675Ile (NM_001377289.1); c.1848G>A, p.Met616Ile (NM_001377290.1); c.1995G>A, p.Met665Ile (NM_078485.4); short protein forms M908I, M675I, M616I, M665I.
Identifiers: ClinVar variation 1947469 (VCV001947469.2), dbSNP rs1385192983, ClinGen allele CA364667754.

ClinVar aggregate classification (germline): Uncertain significance (1 of 4 stars; one submission).

Allele frequency attached by ClinVar (database versions not stated): gnomAD 0.00001; gnomAD exomes 0.00001.
gnomAD v4.1: 5 of 1,614,052 alleles (0.00031%); highest among the groups gnomAD compares: Non-Finnish European, 0.00042%; no homozygotes.

Submission:

Labcorp Genetics (formerly Invitae), Labcorp
Classification: Uncertain significance. Last evaluated: 2022-02-11. Review status: criteria provided, single submitter. Criteria: Invitae Variant Classification Sherloc (09022015). Collection method: clinical testing. Allele origin: germline.
Comment: This sequence change replaces methionine, which is neutral and non-polar, with isoleucine, which is neutral and non-polar, at codon 908 of the COL9A1 protein (p.Met908Ile). This variant is present in population databases (no rsID available, gnomAD 0.002%). This variant has not been reported in the literature in individuals affected with COL9A1-related conditions. Advanced modeling of protein sequence and biophysical properties (such as structural, functional, and spatial information, amino acid conservation, physicochemical variation, residue mobility, and thermodynamic stability) performed at Invitae indicates that this missense variant is not expected to disrupt COL9A1 protein function. In summary, the available evidence is currently insufficient to determine the role of this variant in disease. Therefore, it has been classified as a Variant of Uncertain Significance.